The following is an entry in ClinVar:

NM_004380.3(CREBBP):c.3024C>T (p.Pro1008=)

Gene: CREBBP (CREB binding lysine acetyltransferase; minus strand). Cytogenetic location: 16p13.3.
Variant type: single nucleotide variant.
Coding change: c.3024C>T on transcript NM_004380.3 (MANE Select); coding-DNA position 3024, C replaced by T.
Protein change: p.Pro1008=; no amino-acid change (proline 1008 retained).
Molecular consequence: synonymous variant.
Genome position (GRCh38, 1-based): chr16:3,769,210, G>A on the plus strand (C>T on the coding strand, the complement: CREBBP is on the minus strand). VCF-style: chr16-3769210-G-A. GRCh37 (hg19) VCF-style: chr16-3819211-G-A.
Other names: c.2910C>T, p.Pro970= (NM_001079846.1).
Identifiers: ClinVar variation 1254809 (VCV001254809.17), dbSNP rs144649776, ClinGen allele CA7869967.

ClinVar aggregate classification (germline): Benign/Likely benign. Review status: criteria provided, multiple submitters, no conflicts (2 of 4 stars). 5 submissions from 5 submitters: Benign (1); Likely benign (3). 1 of the submissions does not count toward it. Last evaluated 2026-04-01.

Conditions:
Rubinstein-Taybi syndrome (RSTS). Identifiers: Orphanet 783, MedGen C0035934, MONDO:0019188.
CREBBP-related disorder. Also called: CREBBP-related condition; CREBBP-related disorders.

Allele frequency attached by ClinVar (database versions not stated): TOPMed 0.00009; 1000 Genomes Project 30x 0.00016; 1000 Genomes Project 0.00020; ExAC 0.00021; ESP Exome Variant Server 0.00023; gnomAD exomes 0.00027 and 0.00029; gnomAD 0.00031.
gnomAD v4.1: 444 of 1,614,062 alleles (0.028%); highest among the groups gnomAD compares: Non-Finnish European, 0.025%; no homozygotes.

Submissions (5):

CeGaT Center for Human Genetics Tuebingen
Classification: Likely benign. Last evaluated: 2026-04-01. Review status: criteria provided, single submitter. Criteria: CeGaT Center For Human Genetics Tuebingen Variant Classification Criteria Version 2. Collection method: clinical testing. Allele origin: germline. Affected: yes. Observed: 2 variant alleles.
Comment: CREBBP: BP4, BP7

Labcorp Genetics (formerly Invitae), Labcorp
Classification: Benign for Rubinstein-Taybi syndrome. Last evaluated: 2024-10-17. Review status: criteria provided, single submitter. Criteria: Invitae Variant Classification Sherloc (09022015). Collection method: clinical testing. Allele origin: germline.

Blueprint Genetics
Classification: Likely benign. Last evaluated: 2024-04-25. Review status: criteria provided, single submitter. Criteria: ACMG Guidelines, 2015. Collection method: clinical testing. Allele origin: germline.

GeneDx
Classification: Likely benign. Last evaluated: 2020-10-30. Review status: criteria provided, single submitter. Criteria: GeneDx Variant Classification Process June 2021. Collection method: clinical testing. Allele origin: germline. Affected: yes.

PreventionGenetics, part of Exact Sciences
Classification: Likely benign for CREBBP-related condition. Last evaluated: 2022-02-02. Review status: no assertion criteria provided. Collection method: clinical testing. Allele origin: germline. Not counted in ClinVar's aggregate classification.
Comment: This variant is classified as likely benign based on ACMG/AMP sequence variant interpretation guidelines (Richards et al. 2015 PMID: 25741868, with internal and published modifications).